The following is an entry in ClinVar:

NM_020778.5(ALPK3):c.4794del (p.Cys1599fs)

Gene: ALPK3 (alpha kinase 3; plus strand). Cytogenetic location: 15q25.3.
Variant type: Deletion.
Coding change: c.4794del on transcript NM_020778.5 (MANE Select); coding-DNA position 4794, one base deleted (C; older notation c.4794delC).
Protein change: p.Cys1599fs; shifts the reading frame from cysteine 1599.
Molecular consequence: frameshift variant.
Genome position (GRCh38, 1-based): chr15:84,868,132, C deleted. VCF-style (leftmost placement, unchanged base first): chr15-84868131-GC-G. GRCh37 (hg19) VCF-style: chr15-85411362-GC-G.
Other names: short protein forms C1599fs.
Identifiers: ClinVar variation 1462798 (VCV001462798.6), dbSNP rs2141576118, ClinGen allele CA2573151217.
Genomic context (GRCh38, chr15:84,868,131, plus strand): 5'-TGGTTGGGACCCCCACTCAGCTCTTCCTGTCTGGCTGCAGATACCAGGGCCTCAAGGAAA[GC>G]TGCTTCCCTGCCCTGCTGGACCGGTTCGCCTCCTCCCACCAGTGCAATGCCTACTGTGAG-3'

ClinVar aggregate classification (germline): Uncertain significance (1 of 4 stars; one submission).

Submission:

Labcorp Genetics (formerly Invitae), Labcorp
Classification: Uncertain significance. Last evaluated: 2021-07-08. Review status: criteria provided, single submitter. Criteria: Invitae Variant Classification Sherloc (09022015). Collection method: clinical testing. Allele origin: germline.
Comment: This sequence change creates a premature translational stop signal (p.Cys1801Alafs*24) in the ALPK3 gene. While this is not anticipated to result in nonsense mediated decay, it is expected to disrupt the last 107 amino acid(s) of the ALPK3 protein. This variant is not present in population databases (ExAC no frequency). This variant has not been reported in the literature in individuals affected with ALPK3-related conditions. In summary, the available evidence is currently insufficient to determine the role of this variant in disease. Therefore, it has been classified as a Variant of Uncertain Significance.